The following is an entry in ClinVar:

NM_174918.3(MCEMP1):c.437C>T (p.Thr146Met)

Gene: MCEMP1 (mast cell expressed membrane protein 1; plus strand). Cytogenetic location: 19p13.2.
Variant type: single nucleotide variant.
Coding change: c.437C>T on transcript NM_174918.3 (MANE Select); coding-DNA position 437, C replaced by T.
Protein change: p.Thr146Met; replaces threonine 146 with methionine.
Molecular consequence: missense variant.
Genome position (GRCh38, 1-based): chr19:7,678,593, C>T. VCF-style: chr19-7678593-C-T. GRCh37 (hg19) VCF-style: chr19-7743479-C-T.
Other names: short protein forms T146M.
Identifiers: ClinVar variation 2649170 (VCV002649170.24), dbSNP rs146064936, ClinGen allele CA9144662.

ClinVar aggregate classification (germline): Likely benign (1 of 4 stars; one submission).

Allele frequency attached by ClinVar (database versions not stated): gnomAD exomes 0.00020; ExAC 0.00075; 1000 Genomes Project 0.00220; 1000 Genomes Project 30x 0.00250; ESP Exome Variant Server 0.00300.
gnomAD v4.1: 623 of 1,613,428 alleles (0.039%); highest among the groups gnomAD compares: African/African-American, 0.69%; 2 homozygotes.

Submission:

CeGaT Center for Human Genetics Tuebingen
Classification: Likely benign. Last evaluated: 2022-07-01. Review status: criteria provided, single submitter. Criteria: CeGaT Center For Human Genetics Tuebingen Variant Classification Criteria Version 2. Collection method: clinical testing. Allele origin: germline. Affected: yes. Observed: 1 variant allele.
Comment: MCEMP1: BP4